The following is an entry in ClinVar:

NM_000092.5(COL4A4):c.373G>C (p.Gly125Arg)

Gene: COL4A4 (collagen type IV alpha 4 chain; minus strand). Cytogenetic location: 2q36.3.
Variant type: single nucleotide variant.
Coding change: c.373G>C on transcript NM_000092.5 (MANE Select); coding-DNA position 373, G replaced by C.
Protein change: p.Gly125Arg; replaces glycine 125 with arginine.
Molecular consequence: missense variant.
Genome position (GRCh38, 1-based): chr2:227,118,761, C>G on the plus strand (G>C on the coding strand, the complement: COL4A4 is on the minus strand). VCF-style: chr2-227118761-C-G. GRCh37 (hg19) VCF-style: chr2-227983477-C-G.
Other names: short protein forms G125R.
Identifiers: ClinVar variation 1050521 (VCV001050521.1), dbSNP rs2061619888, ClinGen allele CA350862217.

ClinVar aggregate classification (germline): Uncertain significance (0 of 4 stars; one submission).

Allele frequency attached by ClinVar (database versions not stated): TOPMed below 0.00001.
gnomAD v4.1: 1 of 1,610,982 alleles (0.000062%); highest among the groups gnomAD compares: Non-Finnish European, 0.000085%; no homozygotes.

Submission:

Department of Pathology and Laboratory Medicine, Sinai Health System
Classification: Uncertain significance. Review status: no assertion criteria provided. Collection method: clinical testing. Allele origin: unknown. Affected: yes. Study: The Canadian Open Genetics Repository (COGR).
Comment: The COL4A4 p.Gly125Arg variant was not identified in the literature nor was it identified in dbSNP, ClinVar, LOVD 3.0 or in the following control databases: the 1000 Genomes Project, the NHLBI GO Exome Sequencing Project, the Exome Aggregation Consortium (August 8th 2016), or the Genome Aggregation Database (March 6, 2019, v2.1.1).The p.Gly125 residue is conserved across mammals and other organisms, and computational analyses (PolyPhen-2, SIFT, AlignGVGD, BLOSUM, MutationTaster) suggest that the variant may impact the protein; however, this information is not predictive enough to assume pathogenicity. The p.Gly125Arg variant occurs in the first base of the exon; this position has been shown to be part of the splicing consensus sequence and variants involving this position sometimes affect splicing. However, in silico or computational prediction software programs (SpliceSiteFinder, MaxEntScan, NNSPLICE, GeneSplicer) do not predict a difference in splicing. In summary, based on the above information the clinical significance of this variant cannot be determined with certainty at this time. This variant is classified as a variant of uncertain significance.